The following is an entry in ClinVar:

NM_000038.5(APC):c.-85_*2113del

Gene: APC (APC regulator of Wnt signaling pathway; plus strand). Cytogenetic location: 5q22.2.
Variant type: Deletion.
Coding change: c.-85_*2113del on transcript NM_000038.5; 85 bases upstream of the start codon through 2113 bases downstream of the stop codon, this stretch deleted.
Identifiers: ClinVar variation 236555 (VCV000236555.2).

ClinVar aggregate classification (germline): Pathogenic (1 of 4 stars; one submission).

Conditions:
Familial adenomatous polyposis 1 (FAP1). Also called: FAMILIAL ADENOMATOUS POLYPOSIS 1, ATTENUATED; POLYPOSIS, ADENOMATOUS INTESTINAL. Identifiers: MedGen C2713442, MONDO:0021056, OMIM 175100. Disease mechanism: loss of function.

Submission:

Labcorp Genetics (formerly Invitae), Labcorp
Classification: Pathogenic for Familial adenomatous polyposis 1. Last evaluated: 2018-11-01. Review status: criteria provided, single submitter. Criteria: Invitae Variant Classification Sherloc (09022015). Collection method: clinical testing. Allele origin: germline.
Comment: A gross deletion of the genomic region encompassing the full coding sequence of the APC gene has been identified. The boundaries of this event are unknown as the deletion extends beyond the assayed region for this gene and therefore may encompass additional genes. Similar deletions have been observed in several individuals affected with familial adenomatous polyposis (PMID: 18487285, 19279422, 21643010).Â¬â€ ClinVar contains an entry for this variant (Variation ID:Â¬â€ 236555). Loss-of-function variants in APC are known to be pathogenic (PMID: 17963004, 20685668). For these reasons, this variant has been classified as Pathogenic.

Literature cited by the submitters: PubMed 19279422; PubMed 18487285; PubMed 21643010.